The following is an entry in ClinVar:

ClinVar aggregate classification (germline): Pathogenic (1 of 4 stars; one submission).

Submission:

GeneDx
Classification: Pathogenic. Last evaluated: 2019-11-27. Review status: criteria provided, single submitter. Criteria: GeneDx Variant Classification Process June 2021. Collection method: clinical testing. Allele origin: germline. Affected: yes.
Comment: Nonsense variant predicted to result in protein truncation or nonsense mediated decay in a gene for which loss-of-function is a known mechanism of disease; Not observed in large population cohorts (Lek et al., 2016); Has not been previously published as pathogenic or benign to our knowledge

NM_001123385.2(BCOR):c.3079G>T (p.Glu1027Ter)

Gene: BCOR (BCL6 corepressor; minus strand). Cytogenetic location: Xp11.4.
Variant type: single nucleotide variant.
Coding change: c.3079G>T on transcript NM_001123385.2 (MANE Select); coding-DNA position 3079, G replaced by T.
Protein change: p.Glu1027Ter; replaces glutamic acid 1027 with a stop codon.
Molecular consequence: nonsense.
Genome position (GRCh38, 1-based): chrX:40,071,132, C>A on the plus strand (G>T on the coding strand, the complement: BCOR is on the minus strand). VCF-style: chrX-40071132-C-A. GRCh37 (hg19) VCF-style: chrX-39930385-C-A.
Other names: c.3079G>T, p.Glu1027Ter (NM_001123383.2, NM_017745.6); c.3025G>T, p.Glu1009Ter (NM_001123384.2); short protein forms E1027*, E1009*.
Identifiers: ClinVar variation 620307 (VCV000620307.3), dbSNP rs1569153948, ClinGen allele CA412740779.